The following is an entry in ClinVar:

NM_001003699.4(RREB1):c.2519A>G (p.Glu840Gly)

Gene: RREB1 (ras responsive element binding protein 1; plus strand). Cytogenetic location: 6p24.3.
Variant type: single nucleotide variant.
Coding change: c.2519A>G on transcript NM_001003699.4 (MANE Select); coding-DNA position 2519, A replaced by G.
Protein change: p.Glu840Gly; replaces glutamic acid 840 with glycine.
Molecular consequence: missense variant.
Genome position (GRCh38, 1-based): chr6:7,230,618, A>G. VCF-style: chr6-7230618-A-G. GRCh37 (hg19) VCF-style: chr6-7230851-A-G.
Other names: c.2519A>G, p.Glu840Gly (NM_001003698.4, NM_001003700.2, NM_001168344.2); short protein forms E840G.
Identifiers: ClinVar variation 4872716 (VCV004872716.2).

ClinVar aggregate classification (germline): Uncertain significance (1 of 4 stars; one submission).

gnomAD v4.1: 17 of 1,604,900 alleles (0.0011%); highest among the groups gnomAD compares: Middle Eastern, 0.2%; no homozygotes.

Submission:

CeGaT Center for Human Genetics Tuebingen
Classification: Uncertain significance. Last evaluated: 2026-04-01. Review status: criteria provided, single submitter. Criteria: CeGaT Center For Human Genetics Tuebingen Variant Classification Criteria Version 2. Collection method: clinical testing. Allele origin: germline. Affected: yes. Observed: 1 variant allele.
Comment: RREB1: PM2, BP4